The following is an entry in ClinVar:

NM_018122.5(DARS2):c.228-22T>A

Gene: DARS2 (aspartyl-tRNA synthetase 2, mitochondrial; plus strand). Cytogenetic location: 1q25.1.
Variant type: single nucleotide variant.
Coding change: c.228-22T>A on transcript NM_018122.5 (MANE Select); 22 bases into the intron before coding-DNA position 228, T replaced by A.
Molecular consequence: intron variant.
Genome position (GRCh38, 1-based): chr1:173,828,311, T>A. VCF-style: chr1-173828311-T-A. GRCh37 (hg19) VCF-style: chr1-173797449-T-A.
Other names: IVS2, T-A, -22; c.228-22T>A (NM_001365212.1, NM_001365213.2).
Identifiers: ClinVar variation 30862 (VCV000030862.3), dbSNP rs1557853625, ClinGen allele CA891843256.

ClinVar aggregate classification (germline): Likely pathogenic. Review status: criteria provided, single submitter (1 of 4 stars). 2 submissions from 2 submitters: Likely pathogenic (1). 1 of the submissions does not count toward it. Last evaluated 2025-01-16.

Conditions:
Leukoencephalopathy with brain stem and spinal cord involvement-high lactate syndrome (LBSL). Also called: MITOCHONDRIAL ASPARTYL-tRNA SYNTHETASE DEFICIENCY; LEUKOENCEPHALOPATHY WITH BRAINSTEM AND SPINAL CORD INVOLVEMENT AND LACTATE ELEVATION, MILD; Leukoencephalopathy with Brainstem and Spinal Cord Involvement and Lactate Elevation. Identifiers: Orphanet 137898, MedGen C1970180, MONDO:0012622, OMIM 611105.

gnomAD v4.1: 1 of 1,586,798 alleles (0.000063%); highest among the groups gnomAD compares: Non-Finnish European, 0.000086%; no homozygotes.

Submissions (2):

Broad Center for Mendelian Genomics, Broad Institute of MIT and Harvard
Classification: Likely pathogenic for Leukoencephalopathy with brain stem and spinal cord involvement-high lactate syndrome. Last evaluated: 2025-01-16. Review status: criteria provided, single submitter. Criteria: ACMG Guidelines, 2015. Collection method: curation. Allele origin: germline. Inheritance: Autosomal recessive inheritance.
Comment: The c.228-22T>A variant in DARS2 has been reported, in the homozygous state, in 1 individual with leukoencephalopathy with brain stem and spinal cord involvement-high lactate syndrome (PMID: 21815884, 22677571), segregated with disease in 2 affected relatives from 1 family (PMID: 21815884, 22677571), and has been identified in 0.00009% (1/1159974) of European (non-Finnish) chromosomes by the Genome Aggregation Database (gnomAD; dbSNP rs1557853625). Although this variant has been seen in the general population in a heterozygous state, its frequency is low enough to be consistent with a recessive carrier frequency. This variant has also been reported in ClinVar (Variation ID: 30862) and has been interpreted as Pathogenic by OMIM. RT-PCR performed on unaffected tissue was predicted to lead to exon skipping of exon 3 (PMID:21815884). In vitro functional studies provide some evidence that the c.228-22T>A variant may impact protein function (PMID: 21815884). However, these types of assays may not accurately represent biological function. Variants that occur in this intron 2 splice region are known to be leaky, which may explain some variability in disease phenotype (PMID: 24566671). This variant is located in the intron 2 splice region. This region of DARS2 is an established mutational hotspot and most individuals with LBSL have variants in this region (PMID: 24566671). In summary, although additional studies are required to fully establish its clinical significance, this variant is likely pathogenic for autosomal recessive leukoencephalopathy with brain stem and spinal cord involvement-high lactate syndrome. ACMG/AMP Criteria applied: PS3, PP1, PM1_supporting, PM2_supporting, PM3_supporting (Richards 2015).

OMIM
Classification: Pathogenic for LEUKOENCEPHALOPATHY WITH BRAINSTEM AND SPINAL CORD INVOLVEMENT AND LACTATE ELEVATION. Last evaluated: 2011-09-01. Review status: no assertion criteria provided. Collection method: literature only. Allele origin: germline. Not counted in ClinVar's aggregate classification.

Literature cited by the submitters: PubMed 21815884 (cited by OMIM).